The following is an entry in ClinVar:

NM_000041.4(APOE):c.*25C>T

Gene: APOE (apolipoprotein E; plus strand). Cytogenetic location: 19q13.32.
Variant type: single nucleotide variant.
Coding change: c.*25C>T on transcript NM_000041.4 (MANE Select); 25 bases downstream of the stop codon, C replaced by T.
Molecular consequence: 3 prime UTR variant.
Genome position (GRCh38, 1-based): chr19:44,909,275, C>T. VCF-style: chr19-44909275-C-T. GRCh37 (hg19) VCF-style: chr19-45412532-C-T.
Other names: c.*25C>T (NM_000041.2, NM_001302688.2, NM_001302689.2 and 2 more transcripts).
Identifiers: ClinVar variation 4795997 (VCV004795997.2).

ClinVar aggregate classification (germline): Likely benign. Review status: criteria provided, multiple submitters, no conflicts (2 of 4 stars). 2 submissions from 2 submitters: Likely benign (2). Last evaluated 2026-09-09.

Conditions:
Familial hypercholesterolemia. Also called: Familial hypercholesterolemias; Familial hypercholesterolaemia. Identifiers: MedGen C0020445, MONDO:0005439.
Cardiovascular phenotype. Identifiers: MedGen CN230736.

Submissions (2):

Ambry Genetics
Classification: Likely benign for Cardiovascular phenotype. Last evaluated: 2026-09-09. Review status: criteria provided, single submitter. Criteria: Ambry Variant Classification Scheme 2023. Collection method: clinical testing. Allele origin: germline.

Cambridge Genomics Laboratory, East Genomic Laboratory Hub, NHS Genomic Medicine Service
Classification: Likely benign for Familial hypercholesterolaemia. Last evaluated: 2025-12-16. Review status: criteria provided, single submitter. Criteria: ACGS Best Practice Guidelines for Variant Classification in Rare Disease 2020. Collection method: clinical testing. Allele origin: germline. Affected: yes.
Comment: BS1_Strong